The following is an entry in ClinVar:

ClinVar aggregate classification (germline): Uncertain significance (1 of 4 stars; one submission).

gnomAD v4.1: 2 of 1,589,546 alleles (0.00013%); highest among the groups gnomAD compares: Non-Finnish European, 0.00017%; no homozygotes.

Submission:

Ambry Genetics
Classification: Uncertain significance. Last evaluated: 2026-02-28. Review status: criteria provided, single submitter. Criteria: Ambry Variant Classification Scheme 2023. Collection method: clinical testing. Allele origin: germline.
Comment: The p.P479L variant (also known as c.1436C>T), located in coding exon 13 of the GEN1 gene, results from a C to T substitution at nucleotide position 1436. The proline at codon 479 is replaced by leucine, an amino acid with similar properties. This amino acid position is conserved. In addition, this alteration is predicted to be tolerated by in silico analysis. Based on the available evidence, the clinical significance of this variant remains unclear.

NM_001130009.3(GEN1):c.1436C>T (p.Pro479Leu)

Gene: GEN1 (GEN1 structure-specific endonuclease; plus strand). Cytogenetic location: 2p24.2.
Variant type: single nucleotide variant.
Coding change: c.1436C>T on transcript NM_001130009.3 (MANE Select); coding-DNA position 1436, C replaced by T.
Protein change: p.Pro479Leu; replaces proline 479 with leucine.
Molecular consequence: missense variant.
Genome position (GRCh38, 1-based): chr2:17,780,648, C>T. VCF-style: chr2-17780648-C-T. GRCh37 (hg19) VCF-style: chr2-17961915-C-T.
Other names: c.1436C>T, p.Pro479Leu (NM_182625.5); short protein forms P479L.
Identifiers: ClinVar variation 4826295 (VCV004826295.1).